The following is an entry in ClinVar:

ClinVar aggregate classification (germline): Benign/Likely benign. Review status: criteria provided, multiple submitters, no conflicts (2 of 4 stars). 2 submissions from 2 submitters: Benign (1); Likely benign (1). Last evaluated 2025-02-16.

Conditions:
Leigh syndrome (NULS). Also called: Leigh's necrotizing encephalopathy; Leigh's disease; Leigh Syndrome (mtDNA deletion); Leigh Disease; Subacute necrotizing encephalopathy; Necrotizing encephalopathy infantile subacute of Leigh. Identifiers: Orphanet 506, MedGen C2931891, MONDO:0009723, OMIM 256000.

Submissions (2):

Laboratory of Genetics, Children's Clinical University Hospital Latvia
Classification: Likely benign. Last evaluated: 2025-02-16. Review status: criteria provided, single submitter. Criteria: ACMG Guidelines, 2015. Collection method: clinical testing. Allele origin: germline. Affected: yes.

Wong Mito Lab, Molecular and Human Genetics, Baylor College of Medicine
Classification: Benign for Leigh syndrome. Last evaluated: 2019-10-17. Review status: criteria provided, single submitter. Criteria: Modified ACMG Guidelines (Unpublished). Collection method: clinical testing. Allele origin: germline.
Comment: The NC_012920.1:m.5046G>A (YP_003024027.1:p.Val193Ile) variant in MTND2 gene is interpretated to be a Benign variant based on the modified ACMG guidelines (unpublished). This variant meets the following evidence codes: BA1

NC_012920.1(MT-ND2):m.5046G>A

Gene: MT-ND2 (mitochondrially encoded NADH dehydrogenase 2; plus strand).
Variant type: single nucleotide variant.
Genome position: chrM-5046-G-A.
Identifiers: ClinVar variation 692536 (VCV000692536.2), dbSNP rs878927053, ClinGen allele CA337097045.